The following is an entry in ClinVar:

NM_001197104.2(KMT2A):c.9381dup (p.Met3128fs)

Gene: KMT2A (lysine methyltransferase 2A; plus strand). Cytogenetic location: 11q23.3.
Variant type: Duplication.
Coding change: c.9381dup on transcript NM_001197104.2 (MANE Select); coding-DNA position 9381, one base duplicated (C; older notation c.9381dupC).
Protein change: p.Met3128fs; shifts the reading frame from methionine 3128.
Molecular consequence: frameshift variant.
Genome position (GRCh38, 1-based): chr11:118,505,273, C duplicated; the last of 3 consecutive C bases (chr11:118,505,271-118,505,273); duplicating any one gives the same sequence. VCF-style (leftmost placement, unchanged base first): chr11-118505270-A-AC. GRCh37 (hg19) VCF-style: chr11-118375985-A-AC.
Other names: c.9471dup, p.Met3158fs (NM_001412597.1); c.9372dup, p.Met3125fs (NM_005933.4); c.9381dupC (NM_001197104.1); short protein forms M3125fs, M3128fs, M3158fs.
Identifiers: ClinVar variation 4997458 (VCV004997458.1).
Genomic context (GRCh38, chr11:118,505,270, plus strand): 5'-ATTGACCTCTTCTGTTAGTTCTACACCCAGTGTGATGGAGACAAATACTTCAGTATTGGG[A>AC]CCCATGGGAGGTGGTCTCACCCTTACCACAGGACTAAATCCAAGCTTGCCAACTTCTCAA-3'

ClinVar aggregate classification (germline): Likely pathogenic (1 of 4 stars; one submission).

Conditions:
KMT2A-related disorder. Also called: KMT2A-related condition.

Submission:

PreventionGenetics, part of Exact Sciences
Classification: Likely pathogenic for KMT2A-related condition. Last evaluated: 2024-12-31. Review status: criteria provided, single submitter. Criteria: ACMG Guidelines, 2015. Collection method: clinical testing. Allele origin: germline.
Comment: The KMT2A c.9381dupC variant is predicted to result in a frameshift and premature protein termination (p.Met3128Hisfs*26). To our knowledge, this variant has not been reported in the literature or in a large population database (gnomAD), indicating this variant is rare. Frameshift variants in KMT2A are expected to be pathogenic. This variant is interpreted as likely pathogenic.